The following is an entry in ClinVar:

NM_001111067.4(ACVR1):c.690G>A (p.Glu230=)

Gene: ACVR1 (activin A receptor type 1; minus strand). Cytogenetic location: 2q24.1.
Variant type: single nucleotide variant.
Coding change: c.690G>A on transcript NM_001111067.4 (MANE Select); coding-DNA position 690, G replaced by A.
Protein change: p.Glu230=; no amino-acid change (glutamic acid 230 retained).
Molecular consequence: synonymous variant.
Genome position (GRCh38, 1-based): chr2:157,770,468, C>T on the plus strand (G>A on the coding strand, the complement: ACVR1 is on the minus strand). VCF-style: chr2-157770468-C-T. GRCh37 (hg19) VCF-style: chr2-158626980-C-T.
Other names: c.690G>A, p.Glu230= (NM_001105.5, NM_001347663.1, NM_001347664.1 and 3 more transcripts).
Identifiers: ClinVar variation 257466 (VCV000257466.20), dbSNP rs1146031, ClinGen allele CA1919082.

ClinVar aggregate classification (germline): Benign. Review status: criteria provided, multiple submitters, no conflicts (2 of 4 stars). 7 submissions from 7 submitters: Benign (7). Last evaluated 2026-02-04.

Conditions:
Progressive myositis ossificans (FOP). Also called: Myositis ossificans progressiva; Progressive ossifying myositis; Fibrodysplasia Ossificans Progressiva. Identifiers: Orphanet 337, MedGen C0016037, MONDO:0007606, OMIM 135100.

Allele frequency attached by ClinVar (database versions not stated): 1000 Genomes Project 30x 0.91099; ESP Exome Variant Server 0.91150; TOPMed 0.91286; 1000 Genomes Project 0.91394; gnomAD 0.91655 and 0.92090; ExAC 0.96419; gnomAD exomes 0.96893 and 0.98274.
gnomAD v4.1: 1,575,943 of 1,613,942 alleles (98%); highest among the groups gnomAD compares: Non-Finnish European, 99%; 771,475 homozygotes.

Submissions (7):

Labcorp Genetics (formerly Invitae), Labcorp
Classification: Benign. Last evaluated: 2026-02-04. Review status: criteria provided, single submitter. Criteria: Invitae Variant Classification Sherloc (09022015). Collection method: clinical testing. Allele origin: germline.

Blueprint Genetics
Classification: Benign. Last evaluated: 2024-11-26. Review status: criteria provided, single submitter. Criteria: ACMG Guidelines, 2015. Collection method: clinical testing. Allele origin: germline.

Genome-Nilou Lab
Classification: Benign for Progressive myositis ossificans. Last evaluated: 2021-07-14. Review status: criteria provided, single submitter. Criteria: ACMG Guidelines, 2015. Collection method: clinical testing. Allele origin: germline. Affected: no.

GeneDx
Classification: Benign. Last evaluated: 2020-07-06. Review status: criteria provided, single submitter. Criteria: GeneDx Variant Classification Process June 2021. Collection method: clinical testing. Allele origin: germline. Affected: yes.

Illumina Laboratory Services, Illumina
Classification: Benign for Progressive myositis ossificans. Last evaluated: 2018-01-13. Review status: criteria provided, single submitter. Criteria: ICSL Variant Classification Criteria 13 December 2019. Collection method: clinical testing. Allele origin: germline.
Comment: This variant was observed in the ICSL laboratory as part of a predisposition screen in an ostensibly healthy population. It had not been previously curated by ICSL or reported in the Human Gene Mutation Database (HGMD: prior to June 1st, 2018), and was therefore a candidate for classification through an automated scoring system. Utilizing variant allele frequency, disease prevalence and penetrance estimates, and inheritance mode, an automated score was calculated to assess if this variant is too frequent to cause the disease. Based on the score and internal cut-off values, a variant classified as benign is not then subjected to further curation. The score for this variant resulted in a classification of benign for this disease.

Breakthrough Genomics
Classification: Benign. Review status: criteria provided, single submitter. Criteria: ACMG Guidelines, 2015. Collection method: not provided. Allele origin: germline. Inheritance: Autosomal dominant inheritance. Affected: yes.

PreventionGenetics, part of Exact Sciences
Classification: Benign. Review status: criteria provided, single submitter. Criteria: ACMG Guidelines, 2015. Collection method: clinical testing. Allele origin: germline.